The following is an entry in ClinVar:

NM_007046.4(EMILIN1):c.921C>T (p.Ala307=)

Gene: EMILIN1 (elastin microfibril interfacer 1; plus strand). Cytogenetic location: 2p23.3.
Variant type: single nucleotide variant.
Coding change: c.921C>T on transcript NM_007046.4 (MANE Select); coding-DNA position 921, C replaced by T.
Protein change: p.Ala307=; no amino-acid change (alanine 307 retained).
Molecular consequence: synonymous variant.
Genome position (GRCh38, 1-based): chr2:27,082,492, C>T. VCF-style: chr2-27082492-C-T. GRCh37 (hg19) VCF-style: chr2-27305360-C-T.
Other names: c.921C>T (NM_007046.3).
Identifiers: ClinVar variation 2672804 (VCV002672804.24), dbSNP rs369625702, ClinGen allele CA1568610.

ClinVar aggregate classification (germline): Likely benign. Review status: criteria provided, single submitter (1 of 4 stars). 2 submissions from 2 submitters: Likely benign (1). 1 of the submissions does not count toward it. Last evaluated 2026-08-01.

Conditions:
EMILIN1-related disorder. Also called: EMILIN1-related condition.

Allele frequency attached by ClinVar (database versions not stated): 1000 Genomes Project 0.00020; 1000 Genomes Project 30x 0.00031; ESP Exome Variant Server 0.00066; TOPMed 0.00089; gnomAD 0.00090; gnomAD exomes 0.00120; ExAC 0.00137.
gnomAD v4.1: 1,801 of 1,551,182 alleles (0.12%); highest among the groups gnomAD compares: Non-Finnish European, 0.14%; 2 homozygotes.

Submissions (2):

CeGaT Center for Human Genetics Tuebingen
Classification: Likely benign. Last evaluated: 2026-08-01. Review status: criteria provided, single submitter. Criteria: CeGaT Center For Human Genetics Tuebingen Variant Classification Criteria Version 2. Collection method: clinical testing. Allele origin: germline. Affected: yes. Observed: 4 variant alleles.
Comment: EMILIN1: BP4, BP7

PreventionGenetics, part of Exact Sciences
Classification: Likely benign for EMILIN1-related condition. Last evaluated: 2019-12-18. Review status: no assertion criteria provided. Collection method: clinical testing. Allele origin: germline. Not counted in ClinVar's aggregate classification.
Comment: This variant is classified as likely benign based on ACMG/AMP sequence variant interpretation guidelines (Richards et al. 2015 PMID: 25741868, with internal and published modifications).